The following is an entry in ClinVar:

NC_000013.10:g.(?_32972833)_32977495del

Gene: BRCA2 (BRCA2 DNA repair associated; plus strand).
Variant type: Deletion.
Identifiers: ClinVar variation 1044515 (VCV001044515.2).

ClinVar aggregate classification (germline): Uncertain significance (1 of 4 stars; one submission).

Conditions:
Hereditary breast ovarian cancer syndrome. Also called: Hereditary breast and/or ovarian cancer syndrome; Hereditary breast and ovarian cancer syndrome; Hereditary breast and ovarian cancer syndrome (HBOC); Breast and ovarian cancer; Hereditary breast and ovarian cancer; BRCA1- and BRCA2-Associated Hereditary Breast and Ovarian Cancer. Identifiers: Orphanet 145, MedGen C0677776, MeSH D061325, MONDO:0003582. Disease mechanism: loss of function.

Submission:

Labcorp Genetics (formerly Invitae), Labcorp
Classification: Uncertain significance for Hereditary breast ovarian cancer syndrome. Last evaluated: 2017-08-30. Review status: criteria provided, single submitter. Criteria: Invitae Variant Classification Sherloc (09022015). Collection method: clinical testing. Allele origin: germline.
Comment: This variant is a gross deletion of the genomic region encompassing part of exon 27 of the BRCA2 gene (c.10183_*4588del). While this deletion is not anticipated to result in nonsense mediated decay, it is expected to disrupt the last 24 amino acids of the BRCA2 protein. This variant has not been reported in the literature in individuals with BRCA2-related disease. Experimental studies and prediction algorithms are not available for this partial exon deletion, and the functional significance of the disrupted amino acids is currently unknown. In summary, the available evidence is currently insufficient to determine the role of this variant in disease. Therefore, it has been classified as a Variant of Uncertain Significance.